The following is an entry in ClinVar:

NM_004519.4(KCNQ3):c.250G>A (p.Gly84Ser)

Gene: KCNQ3 (potassium voltage-gated channel subfamily Q member 3; minus strand). Cytogenetic location: 8q24.22.
Variant type: single nucleotide variant.
Coding change: c.250G>A on transcript NM_004519.4 (MANE Select); coding-DNA position 250, G replaced by A.
Protein change: p.Gly84Ser; replaces glycine 84 with serine.
Molecular consequence: missense variant.
Genome position (GRCh38, 1-based): chr8:132,480,283, C>T on the plus strand (G>A on the coding strand, the complement: KCNQ3 is on the minus strand). VCF-style: chr8-132480283-C-T. GRCh37 (hg19) VCF-style: chr8-133492530-C-T.
Other names: short protein forms G84S.
Identifiers: ClinVar variation 4887937 (VCV004887937.2).
Genomic context (GRCh38, chr8:132,480,283, plus strand): 5'-ACTTGGCGTTGTTTCTCTTGACTGGGCGGCTCAGCGGGGTCTTGGCCAGGAGCCCGATGC[C>T]CTGCGGGGTCCTCCGCTGCCCCTCGTCGCGGCCGCCGCCCTCCAGCAGCAGGGTCCCGTC-3'
Protein context (NP_004510.1, residues 74-94): RDEGQRRTPQ[Gly84Ser]IGLLAKTPLS

ClinVar aggregate classification (germline): Uncertain significance (1 of 4 stars; one submission).

gnomAD v4.1: 3 of 1,609,266 alleles (0.00019%); highest among the groups gnomAD compares: Non-Finnish European, 0.00025%; no homozygotes.

Submission:

GeneDx
Classification: Uncertain significance. Last evaluated: 2026-10-09. Review status: criteria provided, single submitter. Criteria: GeneDx Variant Classification Process June 2021. Collection method: clinical testing. Allele origin: germline.
Comment: Not observed at significant frequency in large population cohorts (gnomAD); In silico analysis suggests that this missense variant does not alter protein structure/function; Has not been previously published as pathogenic or benign to our knowledge